The following is an entry in ClinVar:

ClinVar aggregate classification (germline): Likely pathogenic (1 of 4 stars; one submission).

Submission:

Labcorp Genetics (formerly Invitae), Labcorp
Classification: Likely pathogenic. Last evaluated: 2023-11-13. Review status: criteria provided, single submitter. Criteria: Invitae Variant Classification Sherloc (09022015). Collection method: clinical testing. Allele origin: germline.
Comment: This sequence change affects a donor splice site in intron 24 of the HSPG2 gene. It is expected to disrupt RNA splicing. Variants that disrupt the donor or acceptor splice site typically lead to a loss of protein function (PMID: 16199547), and loss-of-function variants in HSPG2 are known to be pathogenic (PMID: 11279527, 16927315, 20542149, 23836246). This variant is not present in population databases (gnomAD no frequency). This variant has not been reported in the literature in individuals affected with HSPG2-related conditions. Algorithms developed to predict the effect of sequence changes on RNA splicing suggest that this variant may disrupt the consensus splice site. In summary, the currently available evidence indicates that the variant is pathogenic, but additional data are needed to prove that conclusively. Therefore, this variant has been classified as Likely Pathogenic.

Literature cited by the submitters: PubMed 16199547; PubMed 11279527; PubMed 16927315; PubMed 20542149; PubMed 23836246.

NM_005529.7(HSPG2):c.3183+1G>T

Gene: HSPG2 (heparan sulfate proteoglycan 2; minus strand). Cytogenetic location: 1p36.12.
Variant type: single nucleotide variant.
Coding change: c.3183+1G>T on transcript NM_005529.7 (MANE Select); the canonical splice donor site of the intron after coding-DNA position 3183, G replaced by T.
Molecular consequence: splice donor variant.
Genome position (GRCh38, 1-based): chr1:21,875,862, C>A on the plus strand (G>T on the coding strand, the complement: HSPG2 is on the minus strand). VCF-style: chr1-21875862-C-A. GRCh37 (hg19) VCF-style: chr1-22202355-C-A.
Other names: c.3186+1G>T (NM_001291860.2).
Identifiers: ClinVar variation 2695619 (VCV002695619.3), dbSNP rs2550764807, ClinGen allele CA338961951.